The following is an entry in ClinVar:

NM_003001.5(SDHC):c.46G>A (p.Ala16Thr)

Gene: SDHC (succinate dehydrogenase complex subunit C; plus strand). Cytogenetic location: 1q23.3.
Variant type: single nucleotide variant.
Coding change: c.46G>A on transcript NM_003001.5 (MANE Select); coding-DNA position 46, G replaced by A.
Protein change: p.Ala16Thr; replaces alanine 16 with threonine.
Molecular consequence: missense variant. On other transcripts: 5 prime UTR variant (2), non-coding transcript variant (1), intron variant (4).
Genome position (GRCh38, 1-based): chr1:161,323,639, G>A. VCF-style: chr1-161323639-G-A. GRCh37 (hg19) VCF-style: chr1-161293429-G-A.
Other names: c.46G>A, p.Ala16Thr (NM_001035511.3, NM_001035512.3, NM_001278172.3 and 2 more transcripts); c.-66G>A (NM_001407119.1); c.-184G>A (NM_001407120.1); c.21-4757G>A (NM_001407116.1, NM_001407121.1, NM_001407117.1); c.20+9214G>A (NM_001035513.3); short protein forms A16T.
Identifiers: ClinVar variation 663196 (VCV000663196.15), dbSNP rs878994954, ClinGen allele CA31683716.
Genomic context (GRCh38, chr1:161,323,639, plus strand): 5'-AATGTGTATTGATTTTTGATTCTCTTATCTTGCAGACACGTTGGTCGTCATTGCCTCCGA[G>A]CCCACTTTAGCCCTCAGCTCTGTATCAGAAAGTAAGTTTCTAAGTCTGGAGATTATTTAT-3'
Protein context (NP_002992.1, residues 6-26): LRHVGRHCLR[Ala16Thr]HFSPQLCIRN

ClinVar aggregate classification (germline): Uncertain significance. Review status: criteria provided, multiple submitters, no conflicts (2 of 4 stars). 4 submissions from 4 submitters: Uncertain significance (4). Last evaluated 2025-11-30.

Conditions:
Pheochromocytoma/paraganglioma syndrome 3. Also called: SDHC-Related Hereditary Paraganglioma-Pheochromocytoma Syndrome (Paragangliomas 3); SDHC-Related Hereditary Paraganglioma-Pheochromocytoma Syndrome; GLOMUS TUMORS, FAMILIAL, 3; Paragangliomas 3. Identifiers: Orphanet 29072, MedGen C1854336, MONDO:0011544, OMIM 605373.
Gastrointestinal stromal tumor. Also called: Gastrointestinal stromal tumor, somatic; Gastrointestinal stroma tumor. Identifiers: Orphanet 44890, MedGen C0238198, MeSH D046152, MONDO:0011719, OMIM 606764, HP:0100723.
Hereditary cancer-predisposing syndrome. Also called: Neoplastic Syndromes, Hereditary; Tumor predisposition; Hereditary Cancer Syndrome; Hereditary neoplastic syndrome. Identifiers: Orphanet 140162, MedGen C0027672, MeSH D009386, MONDO:0015356.
Hereditary pheochromocytoma and paraganglioma. Also called: Hereditary paragangliomas and pheochromocytomas; Hereditary pheochromocytoma-paraganglioma; Hereditary Paraganglioma-Pheochromocytoma Syndromes. Identifiers: Orphanet 29072, MedGen C4274332, MONDO:0017366.

Allele frequency attached by ClinVar (database versions not stated): gnomAD exomes below 0.00001.
gnomAD v4.1: 3 of 1,613,364 alleles (0.00019%); highest among the groups gnomAD compares: South Asian, 0.0033%; no homozygotes.

Submissions (4):

Labcorp Genetics (formerly Invitae), Labcorp
Classification: Uncertain significance for Pheochromocytoma/paraganglioma syndrome 3; Gastrointestinal stromal tumor. Last evaluated: 2025-11-30. Review status: criteria provided, single submitter. Criteria: Invitae Variant Classification Sherloc (09022015). Collection method: clinical testing. Allele origin: germline.
Comment: This sequence change replaces alanine, which is neutral and non-polar, with threonine, which is neutral and polar, at codon 16 of the SDHC protein (p.Ala16Thr). This variant is not present in population databases (gnomAD no frequency). This variant has not been reported in the literature in individuals affected with SDHC-related conditions. ClinVar contains an entry for this variant (Variation ID: 663196). An algorithm developed to predict the effect of missense changes on protein structure and function (PolyPhen-2) suggests that this variant is likely to be tolerated. In summary, the available evidence is currently insufficient to determine the role of this variant in disease. Therefore, it has been classified as a Variant of Uncertain Significance.

Ambry Genetics
Classification: Uncertain significance for Hereditary cancer-predisposing syndrome. Last evaluated: 2025-05-05. Review status: criteria provided, single submitter. Criteria: Ambry Variant Classification Scheme 2023. Collection method: clinical testing. Allele origin: germline.
Comment: The p.A16T variant (also known as c.46G>A), located in coding exon 2 of the SDHC gene, results from a G to A substitution at nucleotide position 46. The alanine at codon 16 is replaced by threonine, an amino acid with similar properties. This amino acid position is conserved. In addition, the in silico prediction for this alteration is inconclusive. Since supporting evidence is limited at this time, the clinical significance of this alteration remains unclear.

GeneDx
Classification: Uncertain significance. Last evaluated: 2024-07-08. Review status: criteria provided, single submitter. Criteria: GeneDx Variant Classification Process June 2021. Collection method: clinical testing. Allele origin: germline. Affected: yes.
Comment: Not observed at significant frequency in large population cohorts (gnomAD); In silico analysis indicates that this missense variant does not alter protein structure/function; Has not been previously published as pathogenic or benign to our knowledge

All of Us Research Program, National Institutes of Health
Classification: Uncertain significance for Hereditary pheochromocytoma and paraganglioma. Last evaluated: 2024-06-11. Review status: criteria provided, single submitter. Criteria: ACMG Guidelines, 2015. Collection method: clinical testing. Allele origin: germline. Inheritance: Autosomal dominant inheritance. Observed: 2 variant alleles, 2 heterozygotes.
Comment: This study involves interpretation of variants in research participants for the purpose of population health screening. Participant phenotype was not available at the time of variant classification. Additional details can be found in publication PMID: 35346344, PMCID: PMC8962531